The following is an entry in ClinVar:

NM_199420.4(POLQ):c.5222C>G (p.Pro1741Arg)

Gene: POLQ (DNA polymerase theta; minus strand). Cytogenetic location: 3q13.33.
Variant type: single nucleotide variant.
Coding change: c.5222C>G on transcript NM_199420.4 (MANE Select); coding-DNA position 5222, C replaced by G.
Protein change: p.Pro1741Arg; replaces proline 1741 with arginine.
Molecular consequence: missense variant.
Genome position (GRCh38, 1-based): chr3:121,487,709, G>C on the plus strand (C>G on the coding strand, the complement: POLQ is on the minus strand). VCF-style: chr3-121487709-G-C. GRCh37 (hg19) VCF-style: chr3-121206556-G-C.
Other names: short protein forms P1741R.
Identifiers: ClinVar variation 3422643 (VCV003422643.1).
Genomic context (GRCh38, chr3:121,487,709, plus strand): 5'-TTCCAAGGGTTTACAGGTGTTTCAAGAATCCCTGGAAATGTCAGCTTAGAAGCAGATGTT[G>C]GAATGGGTGTAGGAGGAATGAGACCATTATCATCAACTATATTACTTTCTTTACGAGGTA-3'
Protein context (NP_955452.3, residues 1731-1751): DNGLIPPTPI[Pro1741Arg]TSASKLTFPG

ClinVar aggregate classification (germline): Uncertain significance (1 of 4 stars; one submission).

Submission:

Ambry Genetics
Classification: Uncertain significance. Last evaluated: 2024-11-02. Review status: criteria provided, single submitter. Criteria: Ambry Variant Classification Scheme 2023. Collection method: clinical testing. Allele origin: germline.
Comment: The p.P1741R variant (also known as c.5222C>G), located in coding exon 16 of the POLQ gene, results from a C to G substitution at nucleotide position 5222. The proline at codon 1741 is replaced by arginine, an amino acid with dissimilar properties. This amino acid position is conserved. In addition, this alteration is predicted to be tolerated by in silico analysis. Based on the available evidence, the clinical significance of this variant remains unclear.